The following is an entry in ClinVar:

NM_031475.3(ESPN):c.382G>A (p.Gly128Ser)

Gene: ESPN (espin; plus strand). Cytogenetic location: 1p36.31.
Variant type: single nucleotide variant.
Coding change: c.382G>A on transcript NM_031475.3 (MANE Select); coding-DNA position 382, G replaced by A.
Protein change: p.Gly128Ser; replaces glycine 128 with serine.
Molecular consequence: missense variant.
Genome position (GRCh38, 1-based): chr1:6,428,313, G>A. VCF-style: chr1-6428313-G-A. GRCh37 (hg19) VCF-style: chr1-6488373-G-A.
Other names: c.382G>A, p.Gly128Ser (NM_001367473.1, NM_001367474.1); short protein forms G128S.
Identifiers: ClinVar variation 1205488 (VCV001205488.7), dbSNP rs145666801, ClinGen allele CA559873.

ClinVar aggregate classification (germline): Uncertain significance. Review status: criteria provided, multiple submitters, no conflicts (2 of 4 stars). 3 submissions from 3 submitters: Uncertain significance (3). Last evaluated 2026-05-18.

Conditions:
ESPN-related disorder. Also called: ESPN-related condition.

Allele frequency attached by ClinVar (database versions not stated): ExAC 0.00007; ESP Exome Variant Server 0.00008; 1000 Genomes Project 30x 0.00016; 1000 Genomes Project 0.00020.
gnomAD v4.1: 35 of 1,613,070 alleles (0.0022%); highest among the groups gnomAD compares: African/African-American, 0.011%; no homozygotes.

Submissions (3):

PreventionGenetics, part of Exact Sciences
Classification: Uncertain significance for ESPN-related condition. Last evaluated: 2026-05-18. Review status: criteria provided, single submitter. Criteria: ACMG Guidelines, 2015. Collection method: clinical testing. Allele origin: germline.
Comment: The ESPN c.382G>A variant is predicted to result in the amino acid substitution p.Gly128Ser. To our knowledge, this variant has not been reported in the literature. This variant is reported in 0.019% of alleles in individuals of African descent in gnomAD. At this time, the clinical significance of this variant is uncertain due to the absence of conclusive functional and genetic evidence.

GeneDx
Classification: Uncertain significance. Last evaluated: 2025-10-02. Review status: criteria provided, single submitter. Criteria: GeneDx Variant Classification Process June 2021. Collection method: clinical testing. Allele origin: germline. Affected: yes.
Comment: In silico analysis suggests that this missense variant does not alter protein structure/function; Has not been previously published as pathogenic or benign to our knowledge

Blueprint Genetics
Classification: Uncertain significance. Last evaluated: 2021-07-19. Review status: criteria provided, single submitter. Criteria: ACMG Guidelines, 2015. Collection method: clinical testing. Allele origin: germline.